The following is an entry in ClinVar:

NM_001127208.3(TET2):c.1363C>A (p.Pro455Thr)

Genes: TET2 (tet methylcytosine dioxygenase 2; plus strand), TET2-AS1 (TET2 antisense RNA 1; minus strand). Cytogenetic location: 4q24.
Variant type: single nucleotide variant.
Coding change: c.1363C>A on transcript NM_001127208.3 (MANE Select); coding-DNA position 1363, C replaced by A.
Protein change: p.Pro455Thr; replaces proline 455 with threonine.
Molecular consequence: missense variant.
Genome position (GRCh38, 1-based): chr4:105,235,305, C>A. VCF-style: chr4-105235305-C-A. GRCh37 (hg19) VCF-style: chr4-106156462-C-A.
Other names: c.1363C>A, p.Pro455Thr (NM_017628.4); short protein forms P455T.
Identifiers: ClinVar variation 4865515 (VCV004865515.1).

ClinVar aggregate classification (germline): Uncertain significance (1 of 4 stars; one submission).

Submission:

Ambry Genetics
Classification: Uncertain significance. Last evaluated: 2026-03-30. Review status: criteria provided, single submitter. Criteria: Ambry Variant Classification Scheme 2023. Collection method: clinical testing. Allele origin: germline.
Comment: The p.P455T variant (also known as c.1363C>A), located in coding exon 1 of the TET2 gene, results from a C to A substitution at nucleotide position 1363. The proline at codon 455 is replaced by threonine, an amino acid with highly similar properties. This amino acid position is conserved. In addition, this alteration is predicted to be tolerated by in silico analysis. Based on the available evidence, the clinical significance of this variant remains unclear.